The following is an entry in ClinVar:

NM_001267550.2(TTN):c.12870dup (p.Val4291fs)

Gene: TTN (titin; minus strand). Cytogenetic location: 2q31.2.
Variant type: Duplication.
Coding change: c.12870dup on transcript NM_001267550.2 (MANE Select); coding-DNA position 12870, one base duplicated (A; older notation c.12870dupA).
Protein change: p.Val4291fs; shifts the reading frame from valine 4291.
Molecular consequence: frameshift variant. On other transcripts: intron variant (1).
Genome position (GRCh38, 1-based): chr2:178,740,363, T duplicated on the plus strand (A on the coding strand, the reverse complement: TTN is on the minus strand). VCF-style (leftmost placement, unchanged base first): chr2-178740362-C-CT. GRCh37 (hg19) VCF-style: chr2-179605089-C-CT.
Other names: c.11919dup, p.Val3974fs (NM_001256850.1); c.11781dup, p.Val3928fs (NM_003319.4); c.12156dup, p.Val4053fs (NM_133432.3); c.12357dup, p.Val4120fs (NM_133437.4); c.10361-2003dup (NM_133378.4); c.12870dup (NM_001267550.1, LRG_391t1); c.11919dupA (NM_001256850.1); c.11781dupA (NM_003319.4); and 1 more; short protein forms V3974fs, V4291fs, V3928fs, V4053fs, V4120fs.
Identifiers: ClinVar variation 222876 (VCV000222876.27), dbSNP rs869025556, ClinGen allele CA351688.

ClinVar aggregate classification (germline): Pathogenic/Likely pathogenic. Review status: criteria provided, multiple submitters, no conflicts (2 of 4 stars). 6 submissions from 6 submitters: Pathogenic (4); Likely pathogenic (2). Last evaluated 2026-06-30.

Conditions:
TTN-related disorder. Also called: TTN-related disorders; TTN-related condition; TTN-related disease.
Cardiovascular phenotype. Identifiers: MedGen CN230736.
Dilated cardiomyopathy 1G (CMD1G). Identifiers: Orphanet 154, MedGen C1858763, MONDO:0011400, OMIM 604145.
Autosomal recessive limb-girdle muscular dystrophy type 2J (LGMDR10). Also called: Limb-girdle muscular dystrophy, type 2J; MUSCULAR DYSTROPHY, LIMB-GIRDLE, AUTOSOMAL RECESSIVE 10. Identifiers: Orphanet 140922, MedGen C1837342, MONDO:0012127, OMIM 608807.
Cardiomyopathy (CMYO). Also called: Cardiomyopathies. Identifiers: Orphanet 167848, MedGen C0878544, MONDO:0004994, HP:0001638. Inheritance: Various modes of inheritance.

Submissions (6):

PreventionGenetics, part of Exact Sciences
Classification: Pathogenic for TTN-related condition. Last evaluated: 2026-06-30. Review status: criteria provided, single submitter. Criteria: ACMG Guidelines, 2015. Collection method: clinical testing. Allele origin: germline.
Comment: The TTN c.12870dupA variant is predicted to result in a frameshift and premature protein termination (p.Val4291Serfs*12). This variant has been reported in the heterozygous state in an individual with dilated cardiomyopathy (Table S1, Heliö et al. 2023. PubMed ID: 37795486). This variant has also been reported in a cohort of individuals referred for genetic testing of cardiomyopathy and/or arrhythmia; however, detailed clinical information was not available (Supplement 2, Dellefave-Castillo et al. 2022. PubMed ID: 35947370). This variant has not been reported in a large population database (gnomAD), indicating this variant is rare. This variant is located in the TTN protein I-band region. RNAseq studies from heart tissue indicate this exon is commonly included in TTN mRNA transcripts (PSI of 95%-100%, Roberts et al. 2015. PubMed ID: 25589632). TTN loss-of-function variants occurring in constitutively expressed exons (PSI > 90%) are more likely to be disease causing for TTN cardiac-related disorders regardless of band location (Roberts et al. 2015. PubMed ID: 25589632; Schafer et al. 2017. PubMed ID: 27869827; Akhtar et al. 2020. PubMed ID: 32964742). Many cases of recessive TTN-related myopathies in which the individual is compound heterozygous for two loss-of-function variants in TTN have also been reported (Oates et al. 2018. PubMed ID: 29691892; Ge et al. 2019. PubMed ID: 31053406; Rees et al. 2021. PubMed ID: 33449170). In summary, this variant is categorized as pathogenic. Of note, this variant is considered pathogenic for increased risk of TTN-related cardiac disorders, and also for autosomal recessive TTN-related congenital titinopathies.

Labcorp Genetics (formerly Invitae), Labcorp
Classification: Pathogenic for Dilated cardiomyopathy 1G; Autosomal recessive limb-girdle muscular dystrophy type 2J. Last evaluated: 2026-01-31. Review status: criteria provided, single submitter. Criteria: Invitae Variant Classification Sherloc (09022015). Collection method: clinical testing. Allele origin: germline.
Comment: This sequence change creates a premature translational stop signal (p.Val4291Serfs*12) in the TTN gene. While this is not anticipated to result in nonsense mediated decay, it is expected to create a truncated TTN protein. This variant is not present in population databases (gnomAD no frequency). This premature translational stop signal has been observed in individuals with dilated cardiomyopathy (internal data). ClinVar contains an entry for this variant (Variation ID: 222876). This variant is located in the I band of TTN (PMID: 25589632). Truncating variants in this region have been reported in individuals affected with autosomal recessive centronuclear myopathy (PMID: 23975875, internal data). Truncating variants in this region have also been identified in individuals affected with autosomal dominant dilated cardiomyopathy and/or cardio-related conditions (PMID: 27869827, 32964742, internal data). For these reasons, this variant has been classified as Pathogenic.

GeneDx
Classification: Likely pathogenic. Last evaluated: 2026-01-09. Review status: criteria provided, single submitter. Criteria: GeneDx Variant Classification Process June 2021. Collection method: clinical testing. Allele origin: germline. Affected: yes.
Comment: Located in a specific region of the I-band within TTN for which truncating variants are significantly associated with autosomal dominant cardiomyopathy and also with autosomal recessive skeletal myopathies (PMID: 27625338, 27869827, 32778822); Not observed at significant frequency in large population cohorts (gnomAD); Has not been previously published as pathogenic or benign to our knowledge; This variant is associated with the following publications: (PMID: 24980681, 27625338, 27869827, 32778822)

Ambry Genetics
Classification: Pathogenic for Cardiovascular phenotype. Last evaluated: 2025-10-14. Review status: criteria provided, single submitter. Criteria: Ambry Variant Classification Scheme 2023. Collection method: clinical testing. Allele origin: germline.
Comment: The c.11781dupA (p.V3928Sfs*12) alteration, located in exon 45 (coding exon 44) of the TTN gene, consists of a duplication of A at position 11781, causing a translational frameshift with a predicted alternate stop codon after 12 amino acids. This variant is expected to result in loss of function by premature protein truncation or nonsense-mediated mRNA decay. This variant was not reported in population-based cohorts in the Genome Aggregation Database (gnomAD). This variant was reported in individual(s) with features consistent with dilated cardiomyopathy (Ambry internal data). This exon is located in the I-band region of the N2-B isoform of the titin protein and is constitutively expressed in TTN transcripts (percent spliced in or PSI 100%). While truncating variants in TTN are present in 1-3% of the general population, truncating variants in the A-band are the most common cause of dilated cardiomyopathy (DCM) (Herman, 2012; Roberts, 2015). TTN truncating variants encoded in constitutive exons (PSI >90%) have been found to be significantly associated with DCM regardless of their position in titin (Schafer, 2017). Based on the available evidence, this alteration is classified as pathogenic.

Blueprint Genetics
Classification: Pathogenic for TTN-related disorders. Last evaluated: 2024-08-06. Review status: criteria provided, single submitter. Criteria: ACMG Guidelines, 2015. Collection method: clinical testing. Allele origin: germline. Affected: yes. Observed: 5 variant alleles.

CHEO Genetics Diagnostic Laboratory, Children's Hospital of Eastern Ontario
Classification: Likely pathogenic for Cardiomyopathy. Last evaluated: 2023-03-06. Review status: criteria provided, single submitter. Criteria: ACMG Guidelines, 2015. Collection method: clinical testing. Allele origin: germline.

Literature cited by the submitters: PubMed 25589632 (cited by Labcorp Genetics (formerly Invitae), Labcorp and Ambry Genetics); PubMed 23975875 (cited by Labcorp Genetics (formerly Invitae), Labcorp); PubMed 27869827 (cited by Labcorp Genetics (formerly Invitae), Labcorp and Ambry Genetics); PubMed 32964742 (cited by Labcorp Genetics (formerly Invitae), Labcorp and Ambry Genetics); PubMed 22335739 (cited by Ambry Genetics); PubMed 30535219 (cited by Ambry Genetics); PubMed 39844436 (cited by Ambry Genetics).